The following continues an entry in ClinVar:

NM_000059.4(BRCA2):c.8177A>G (p.Tyr2726Cys)

Gene: BRCA2. ClinVar aggregate classification (germline): Pathogenic/Likely pathogenic. Pathogenic (2); Likely pathogenic (11).

Submissions 7 to 17 of 17:

All of Us Research Program, National Institutes of Health
Classification: Likely pathogenic for BRCA2-related cancer predisposition. Last evaluated: 2024-04-25. Review status: criteria provided, single submitter. Criteria: ACMG Guidelines, 2015. Collection method: clinical testing. Allele origin: germline. Inheritance: Autosomal dominant inheritance. Observed: 3 variant alleles, 3 heterozygotes.
Comment: This missense variant replaces tyrosine with cysteine at codon 2726 of the BRCA2 protein. Computational prediction suggests that this variant may have deleterious impact on protein structure and function (internally defined REVEL score threshold >= 0.7, PMID: 27666373). Functional studies have reported that this variant impact BRCA2 function in homology-mediated repair assay (PMID: 23108138, 29394989, 33609447, 35736817) and stable expression in and rescue of Brca2-deficient mouse embryonic stem cells (PMID: 33293522). This variant has been reported in at least two individuals affected with breast cancer (PMID: 25452441, 33471991; Leiden Open Variation Database DB-ID BRCA2_000294) and suspected hereditary breast and ovarian cancer families (PMID: 27495310, 29339979) and an individual affected with prostate cancer (PMID: 33293522). This variant has not been identified in the general population by the Genome Aggregation Database (gnomAD). Based on the available evidence, this variant is classified as Likely Pathogenic.

This study involves interpretation of variants in research participants for the purpose of population health screening. Participant phenotype was not available at the time of variant classification. Additional details can be found in publication PMID: 35346344, PMCID: PMC8962531

Baylor Genetics
Classification: Likely pathogenic for Familial cancer of breast. Last evaluated: 2024-03-10. Review status: criteria provided, single submitter. Criteria: ACMG Guidelines, 2015. Collection method: clinical testing. Allele origin: unknown.

Women's Health and Genetics/Laboratory Corporation of America, LabCorp
Classification: Likely pathogenic for Hereditary breast ovarian cancer syndrome. Last evaluated: 2023-08-12. Review status: criteria provided, single submitter. Criteria: LabCorp Variant Classification Summary - May 2015. Collection method: clinical testing. Allele origin: germline.
Comment: Variant summary: BRCA2 c.8177A>G (p.Tyr2726Cys) results in a non-conservative amino acid change located in the BRCA2, OB1 (IPR015187) of the encoded protein sequence. Five of five in-silico tools predict a damaging effect of the variant on protein function. The variant was absent in 250998 control chromosomes. c.8177A>G has been reported in the literature in individuals affected with Hereditary Breast And Ovarian Cancer Syndrome (Examples: Couch_2015, Jarhelle_2016, Nurmi_2022, Cunningham_2014) and a patient with Pancreatic adenocarcinoma (O'Reily_2018). One publication reports experimental evidence demonstrating it's inability to rescue cell lethality in a null cell line (Biswas_2020) and several report damaging impact on homology-mediated repair assay (Examples: Guidugli_2018, Richardson_2021). The HDR assay qualifies as a standardized gold-standard assay on the basis of the updated guidance provided by the ClinGen Sequence Variant Interpretation (SVI) Working Group (Brnich_2019). The following publications have been ascertained in the context of this evaluation (PMID: 20215541, 19043619, 33293522, 25452441, 24504028, 23108138, 24323938, 29394989, 27495310, 36551643, 29338080, 33609447). Seven submitters have cited clinical-significance assessments for this variant to ClinVar after 2014 and classify as VUS (n=1), likely pathogenic (n=5) and pathogenic (n=1). Based on the evidence outlined above, the variant was classified as likely pathogenic.

Ambry Genetics
Classification: Pathogenic for Hereditary cancer-predisposing syndrome. Last evaluated: 2023-06-14. Review status: criteria provided, single submitter. Criteria: Ambry Variant Classification Scheme 2023. Collection method: clinical testing. Allele origin: germline.
Comment: The p.Y2726C variant (also known as c.8177A>G), located in coding exon 17 of the BRCA2 gene, results from an A to G substitution at nucleotide position 8177. The tyrosine at codon 2726 is replaced by cysteine, an amino acid with highly dissimilar properties. This alteration has been reported in multiple individuals with clinical histories suggestive of HBOC (Couch FJ et al. J. Clin. Oncol. 2015 Feb;33(4):304-11; Jarhelle E et al. Fam. Cancer. 2017 Jan;16(1):1-16; Heramb C et al. Hered Cancer Clin Pract. 2018 Jan;16:3). In one study, this variant was analyzed using protein likelihood ratio, a probabilistic likelihood ratio predictive of whether a missense variant impairs protein function, and was predicted to have a deleterious effect (Karchin R et al. Cancer Inform. 2008 Apr;6:203-16). This variant was non-functional in a homology-directed DNA repair (HDR) assay (Guidugli L et al. Cancer Res. 2013 Jan;73:265-75; Guidugli L et al. Am. J. Hum. Genet. 2018 Jan; Hart SN et al. Genet. Med., 2019 01;21:71-80). Of note, this alteration is also designated as 8405A>G in published literature. Based on internal structural analysis, this variant is anticipated to result in a significant decrease in structural stability (Yang H et al. Science 2002 Sep;297:1837-48; Ambry Internal Data). As such, this alteration is interpreted as a disease-causing mutation.

CeGaT Center for Human Genetics Tuebingen
Classification: Likely pathogenic. Last evaluated: 2023-04-01. Review status: criteria provided, single submitter. Criteria: CeGaT Center For Human Genetics Tuebingen Variant Classification Criteria Version 2. Collection method: clinical testing. Allele origin: germline. Affected: yes. Observed: 1 variant allele.
Comment: BRCA2: PM2, PS4:Moderate, PP1, PS3:Supporting

ARUP Laboratories, Molecular Genetics and Genomics, ARUP Laboratories
Classification: Pathogenic. Last evaluated: 2023-01-04. Review status: criteria provided, single submitter. Criteria: ARUP Molecular Germline Variant Investigation Process 2024. Collection method: clinical testing. Allele origin: germline.
Comment: The BRCA2 c.8177A>G; p.Tyr2726Cys variant (rs80359064) is reported in the literature in individuals with BRCA2-associated cancers (Couch 2015, Heramb 2018, Lilyquist 2017, Wokolorczyk 2020), and reported to have impaired homology-directed repair activity (Guidugli 2018, Hu 2022). This variant is also reported by multiple laboratories in ClinVar (Variation ID: 52520). It is absent from the Genome Aggregation Database, indicating it is not a common polymorphism. Computational analyses predict that this variant is deleterious (REVEL: 0.928). Based on available information, this variant is considered to be pathogenic. References: Couch FJ et al. Inherited mutations in 17 breast cancer susceptibility genes among a large triple-negative breast cancer cohort unselected for family history of breast cancer. J Clin Oncol. 2015 Feb 1;33(4):304-11. PMID: 25452441. Guidugli L et al. Assessment of the Clinical Relevance of BRCA2 Missense Variants by Functional and Computational Approaches. Am J Hum Genet. 2018 Feb 1;102(2):233-248. PMID: 29394989. Heramb C et al. BRCA1 and BRCA2 mutation spectrum - an update on mutation distribution in a large cancer genetics clinic in Norway. Hered Cancer Clin Pract. 2018 Jan 10;16:3. PMID: 29339979. Hu C et al. Classification of BRCA2 Variants of Uncertain Significance (VUS) Using an ACMG/AMP Model Incorporating a Homology-Directed Repair (HDR) Functional Assay. Clin Cancer Res. 2022 Sep 1;28(17):3742-3751. PMID: 35736817. Lilyquist J et al. Frequency of mutations in a large series of clinically ascertained ovarian cancer cases tested on multi-gene panels compared to reference controls. Gynecol Oncol. 2017 Nov;147(2):375-380. PMID: 28888541. Wokolorczyk D et al. Mutations in ATM, NBN and BRCA2 predispose to aggressive prostate cancer in Poland. Int J Cancer. 2020 Nov 15;147(10):2793-2800. PMID: 32875559.

Department of Medical Genetics, Oslo University Hospital
Classification: Likely pathogenic for Breast-ovarian cancer, familial, susceptibility to, 2. Last evaluated: 2015-08-25. Review status: criteria provided, single submitter. Criteria: ACMG Guidelines, 2015. Collection method: clinical testing. Allele origin: germline. Affected: yes. Observed: 9 variant alleles.

BRCAlab, Lund University
Classification: Likely pathogenic for Breast-ovarian cancer, familial, susceptibility to, 2. Last evaluated: 2020-03-02. Review status: no assertion criteria provided. Collection method: clinical testing. Allele origin: germline. Affected: yes. Not counted in ClinVar's aggregate classification.

Department of Medical Genetics, University Hospital of North Norway
Classification: Uncertain significance for Breast-ovarian cancer, familial, susceptibility to, 2. Last evaluated: 2016-05-01. Review status: no assertion criteria provided. Collection method: clinical testing. Allele origin: germline. Affected: yes. Observed: 1 variant allele. Not counted in ClinVar's aggregate classification.

Sharing Clinical Reports Project (SCRP)
Classification: Uncertain significance for Breast-ovarian cancer, familial 2. Last evaluated: 2012-11-30. Review status: no assertion criteria provided. Collection method: clinical testing. Allele origin: germline. Not counted in ClinVar's aggregate classification.

Breast Cancer Information Core (BIC) (BRCA2)
Classification: Uncertain significance for Breast-ovarian cancer, familial 2. Last evaluated: 2003-12-23. Review status: no assertion criteria provided. Collection method: clinical testing. Allele origin: germline. Affected: yes. Observed: 1 variant allele. Not counted in ClinVar's aggregate classification.

Literature cited by the submitters: PubMed 23108138 (cited by 6 submitters); PubMed 25452441 (cited by 6 submitters); PubMed 27495310 (cited by 7 submitters); PubMed 29339979 (cited by 4 submitters); PubMed 29394989 (cited by 6 submitters); PubMed 33293522 (cited by 5 submitters); PubMed 33471991 (cited by 3 submitters); PubMed 33609447 (cited by 5 submitters); PubMed 35736817 (cited by 4 submitters); PubMed 36551643 (cited by 4 submitters); PubMed 28888541 (cited by Labcorp Genetics (formerly Invitae), Labcorp and Quest Diagnostics Nichols Institute San Juan Capistrano); PubMed 29338080 (cited by Labcorp Genetics (formerly Invitae), Labcorp and Women's Health and Genetics/Laboratory Corporation of America, LabCorp); PubMed 32875559 (cited by Labcorp Genetics (formerly Invitae), Labcorp and Quest Diagnostics Nichols Institute San Juan Capistrano); PubMed 19043619 (cited by 3 submitters); PubMed 24323938 (cited by Quest Diagnostics Nichols Institute San Juan Capistrano and Women's Health and Genetics/Laboratory Corporation of America, LabCorp); PubMed 36467798 (cited by Quest Diagnostics Nichols Institute San Juan Capistrano); PubMed 29884841 (cited by Quest Diagnostics Nichols Institute San Juan Capistrano and Ambry Genetics); PubMed 38843470 (cited by Quest Diagnostics Nichols Institute San Juan Capistrano); PubMed 20215541 (cited by Women's Health and Genetics/Laboratory Corporation of America, LabCorp); PubMed 24504028 (cited by Women's Health and Genetics/Laboratory Corporation of America, LabCorp).